The following is an entry in ClinVar:

NM_000137.4(FAH):c.1098G>A (p.Ser366=)

Gene: FAH (fumarylacetoacetate hydrolase; plus strand). Cytogenetic location: 15q25.1.
Variant type: single nucleotide variant.
Coding change: c.1098G>A on transcript NM_000137.4 (MANE Select); coding-DNA position 1098, G replaced by A.
Protein change: p.Ser366=; no amino-acid change (serine 366 retained).
Molecular consequence: synonymous variant.
Genome position (GRCh38, 1-based): chr15:80,181,077, G>A. VCF-style: chr15-80181077-G-A. GRCh37 (hg19) VCF-style: chr15-80473419-G-A.
Other names: p.Ser366=; c.1098G>A, p.Ser366= (NM_001374377.1, NM_001374380.1).
Identifiers: ClinVar variation 498024 (VCV000498024.49), dbSNP rs35033541, ClinGen allele CA7691488.

ClinVar aggregate classification (germline): Benign/Likely benign. Review status: criteria provided, multiple submitters, no conflicts (2 of 4 stars). 9 submissions from 9 submitters: Benign (2); Likely benign (5). 2 of the submissions do not count toward it. Last evaluated 2026-02-04.

Conditions:
FAH-related disorder. Also called: FAH-related condition.
Tyrosinemia type I (TYRSN1). Also called: HEPATORENAL TYROSINEMIA; Deficiency of fumarylacetoacetase; FAH DEFICIENCY; Tyrosinemia type 1; Fumarylacetoacetase deficiency. Identifiers: Orphanet 882, MedGen C0268490, MONDO:0010161, OMIM 276700. Disease mechanism: loss of function.

Allele frequency attached by ClinVar (database versions not stated): ExAC 0.00040; gnomAD 0.00137 and 0.00139; TOPMed 0.00139; ESP Exome Variant Server 0.00154; 1000 Genomes Project 0.00260; 1000 Genomes Project 30x 0.00297.
gnomAD v4.1: 456 of 1,613,898 alleles (0.028%); highest among the groups gnomAD compares: African/African-American, 0.5%; 1 homozygote.

Submissions (9):

Labcorp Genetics (formerly Invitae), Labcorp
Classification: Benign for Tyrosinemia type I. Last evaluated: 2026-02-04. Review status: criteria provided, single submitter. Criteria: Invitae Variant Classification Sherloc (09022015). Collection method: clinical testing. Allele origin: germline.

Mayo Clinic Laboratories, Mayo Clinic
Classification: Likely benign. Last evaluated: 2025-03-04. Review status: criteria provided, single submitter. Criteria: ACMG Guidelines, 2015. Collection method: clinical testing. Allele origin: germline. Observed: 1 variant allele.
Comment: BS1, BP4, BP7

Blueprint Genetics
Classification: Likely benign. Last evaluated: 2024-11-27. Review status: criteria provided, single submitter. Criteria: ACMG Guidelines, 2015. Collection method: clinical testing. Allele origin: germline.

CeGaT Center for Human Genetics Tuebingen
Classification: Likely benign. Last evaluated: 2022-12-01. Review status: criteria provided, single submitter. Criteria: CeGaT Center For Human Genetics Tuebingen Variant Classification Criteria Version 2. Collection method: clinical testing. Allele origin: germline. Affected: yes. Observed: 1 variant allele.
Comment: FAH: BP4, BP7

GeneDx
Classification: Likely benign. Last evaluated: 2017-12-01. Review status: criteria provided, single submitter. Criteria: GeneDx Variant Classification (06012015). Collection method: clinical testing. Allele origin: germline. Affected: yes.
Comment: This variant is considered likely benign or benign based on one or more of the following criteria: it is a conservative change, it occurs at a poorly conserved position in the protein, it is predicted to be benign by multiple in silico algorithms, and/or has population frequency not consistent with disease.

Illumina Laboratory Services, Illumina
Classification: Benign for Tyrosinemia type I. Last evaluated: 2017-04-27. Review status: criteria provided, single submitter. Criteria: ICSL Variant Classification Criteria 13 December 2019. Collection method: clinical testing. Allele origin: germline.
Comment: This variant was observed as part of a predisposition screen in an ostensibly healthy population. A literature search was performed for the gene, cDNA change, and amino acid change (where applicable). Publications were found based on this search. The evidence from the literature, in combination with allele frequency data from public databases where available, was sufficient to rule this variant out of causing disease. Therefore, this variant is classified as benign.

Eurofins Ntd Llc (ga)
Classification: Likely benign. Last evaluated: 2016-10-18. Review status: criteria provided, single submitter. Criteria: EGL Classification Definitions 2015. Collection method: clinical testing. Allele origin: germline. Observed: 1 variant allele, 1 heterozygote.

PreventionGenetics, part of Exact Sciences
Classification: Likely benign for FAH-related condition. Last evaluated: 2021-03-30. Review status: no assertion criteria provided. Collection method: clinical testing. Allele origin: germline. Not counted in ClinVar's aggregate classification.
Comment: This variant is classified as likely benign based on ACMG/AMP sequence variant interpretation guidelines (Richards et al. 2015 PMID: 25741868, with internal and published modifications).

Natera, Inc.
Classification: Uncertain significance for Tyrosinemia type I. Last evaluated: 2020-04-24. Review status: no assertion criteria provided. Collection method: clinical testing. Allele origin: germline. Not counted in ClinVar's aggregate classification.

Literature cited by the submitters: PubMed 9633815 (cited by Illumina Laboratory Services, Illumina).